The following is an entry in ClinVar:

NM_001017995.3(SH3PXD2B):c.1132G>A (p.Glu378Lys)

Gene: SH3PXD2B (SH3 and PX domains 2B; minus strand). Cytogenetic location: 5q35.1.
Variant type: single nucleotide variant.
Coding change: c.1132G>A on transcript NM_001017995.3 (MANE Select); coding-DNA position 1132, G replaced by A.
Protein change: p.Glu378Lys; replaces glutamic acid 378 with lysine.
Molecular consequence: missense variant.
Genome position (GRCh38, 1-based): chr5:172,346,192, C>T on the plus strand (G>A on the coding strand, the complement: SH3PXD2B is on the minus strand). VCF-style: chr5-172346192-C-T. GRCh37 (hg19) VCF-style: chr5-171773196-C-T.
Other names: c.1132G>A, p.Glu378Lys (NM_001308175.2); short protein forms E378K.
Identifiers: ClinVar variation 1426615 (VCV001426615.6), dbSNP rs1193667826, ClinGen allele CA362141385.
Genomic context (GRCh38, chr5:172,346,192, plus strand): 5'-TCACCTCGACCTTCAGGCCTGCCTGGAAGCTGATGCCGTCTGGGATGGTTGTCTGGAATT[C>T]GGCGATGGTGTAATACTCTTCCTCCACTTGGGGCGGGATGGGCGGCTTCGGCAGGTTGAG-3'
Protein context (NP_001017995.1, residues 368-388): QVEEEYYTIA[Glu378Lys]FQTTIPDGIS

ClinVar aggregate classification (germline): Uncertain significance (1 of 4 stars; one submission).

Allele frequency attached by ClinVar (database versions not stated): gnomAD exomes below 0.00001 and 0.00001; TOPMed below 0.00001; gnomAD 0.00001.
gnomAD v4.1: 22 of 1,613,996 alleles (0.0014%); highest among the groups gnomAD compares: Admixed American, 0.0017%; no homozygotes.

Submission:

Labcorp Genetics (formerly Invitae), Labcorp
Classification: Uncertain significance. Last evaluated: 2023-12-06. Review status: criteria provided, single submitter. Criteria: Invitae Variant Classification Sherloc (09022015). Collection method: clinical testing. Allele origin: germline.
Comment: This sequence change replaces glutamic acid, which is acidic and polar, with lysine, which is basic and polar, at codon 378 of the SH3PXD2B protein (p.Glu378Lys). This variant is present in population databases (no rsID available, gnomAD 0.004%). This variant has not been reported in the literature in individuals affected with SH3PXD2B-related conditions. ClinVar contains an entry for this variant (Variation ID: 1426615). An algorithm developed to predict the effect of missense changes on protein structure and function (PolyPhen-2) suggests that this variant is likely to be disruptive. In summary, the available evidence is currently insufficient to determine the role of this variant in disease. Therefore, it has been classified as a Variant of Uncertain Significance.